The following is an entry in ClinVar:

ClinVar aggregate classification (germline): Likely benign. Review status: criteria provided, multiple submitters, no conflicts (2 of 4 stars). 3 submissions from 3 submitters: Likely benign (2). 1 of the submissions does not count toward it. Last evaluated 2025-07-25.

Conditions:
Fanconi anemia (FA). Also called: Fanconi's anemia. Identifiers: Orphanet 84, MedGen C0015625, MeSH D005199, MONDO:0019391.
Inborn genetic diseases. Identifiers: MedGen C0950123, MeSH D030342.
FANCA-related disorder. Also called: FANCA-related condition.

Allele frequency attached by ClinVar (database versions not stated): TOPMed 0.00006; gnomAD 0.00007.
gnomAD v4.1: 16 of 1,613,956 alleles (0.00099%); highest among the groups gnomAD compares: African/African-American, 0.019%; no homozygotes.

Submissions (3):

Labcorp Genetics (formerly Invitae), Labcorp
Classification: Likely benign for Fanconi anemia. Last evaluated: 2025-07-25. Review status: criteria provided, single submitter. Criteria: Invitae Variant Classification Sherloc (09022015). Collection method: clinical testing. Allele origin: germline.

Ambry Genetics
Classification: Likely benign for Inborn genetic diseases. Last evaluated: 2025-01-17. Review status: criteria provided, single submitter. Criteria: Ambry Variant Classification Scheme 2023. Collection method: clinical testing. Allele origin: germline.

PreventionGenetics, part of Exact Sciences
Classification: Likely benign for FANCA-related condition. Last evaluated: 2023-07-11. Review status: no assertion criteria provided. Collection method: clinical testing. Allele origin: germline. Not counted in ClinVar's aggregate classification.
Comment: This variant is classified as likely benign based on ACMG/AMP sequence variant interpretation guidelines (Richards et al. 2015 PMID: 25741868, with internal and published modifications).

NM_000135.4(FANCA):c.2820A>G (p.Gln940=)

Gene: FANCA (FA complementation group A; minus strand). Cytogenetic location: 16q24.3.
Variant type: single nucleotide variant.
Coding change: c.2820A>G on transcript NM_000135.4 (MANE Select); coding-DNA position 2820, A replaced by G.
Protein change: p.Gln940=; no amino-acid change (glutamine 940 retained).
Molecular consequence: synonymous variant.
Genome position (GRCh38, 1-based): chr16:89,761,981, T>C on the plus strand (A>G on the coding strand, the complement: FANCA is on the minus strand). VCF-style: chr16-89761981-T-C. GRCh37 (hg19) VCF-style: chr16-89828389-T-C.
Other names: c.2820A>G, p.Gln940= (NM_001286167.3); c.2820A>G (NM_000135.2).
Identifiers: ClinVar variation 1131403 (VCV001131403.12), dbSNP rs776686639, ClinGen allele CA8251492.